The following is an entry in ClinVar:

NM_001099274.3(TINF2):c.1222G>C (p.Glu408Gln)

Gene: TINF2 (TERF1 interacting nuclear factor 2; minus strand). Cytogenetic location: 14q12.
Variant type: single nucleotide variant.
Coding change: c.1222G>C on transcript NM_001099274.3 (MANE Select); coding-DNA position 1222, G replaced by C.
Protein change: p.Glu408Gln; replaces glutamic acid 408 with glutamine.
Molecular consequence: missense variant. On other transcripts: 3 prime UTR variant (1).
Genome position (GRCh38, 1-based): chr14:24,239,931, C>G on the plus strand (G>C on the coding strand, the complement: TINF2 is on the minus strand). VCF-style: chr14-24239931-C-G. GRCh37 (hg19) VCF-style: chr14-24709137-C-G.
Other names: c.1117G>C, p.Glu373Gln (NM_001363668.2); c.*484G>C (NM_012461.3); short protein forms E373Q, E408Q.
Identifiers: ClinVar variation 654332 (VCV000654332.9), dbSNP rs1594548909, ClinGen allele CA389220452.
Genomic context (GRCh38, chr14:24,239,931, plus strand): 5'-ATTCACAGAGAGTGGGTATCAAGGTGTCAAACTTTGTCTTCTGATAGTTTTCCAGAGATT[C>G]CTGTAGAGAAGGGAGCAGGGAGAGCCTACTATCCGAAACCATTCCCTGAACCCTCTGAAT-3'
Protein context (NP_001092744.1, residues 398-418): EEENGQGEGK[Glu408Gln]SLENYQKTKF

ClinVar aggregate classification (germline): Uncertain significance. Review status: criteria provided, multiple submitters, no conflicts (2 of 4 stars). 2 submissions from 2 submitters: Uncertain significance (2). Last evaluated 2024-09-25.

Conditions:
Dyskeratosis congenita. Identifiers: Orphanet 1775, MedGen C0265965, MONDO:0015780.

Allele frequency attached by ClinVar (database versions not stated): gnomAD 0.00001; gnomAD exomes 0.00001.
gnomAD v4.1: 7 of 1,614,032 alleles (0.00043%); highest among the groups gnomAD compares: Non-Finnish European, 0.00059%; no homozygotes.

Submissions (2):

Blueprint Genetics
Classification: Uncertain significance. Last evaluated: 2024-09-25. Review status: criteria provided, single submitter. Criteria: ACMG Guidelines, 2015. Collection method: clinical testing. Allele origin: germline.

Labcorp Genetics (formerly Invitae), Labcorp
Classification: Uncertain significance for Dyskeratosis congenita. Last evaluated: 2024-06-05. Review status: criteria provided, single submitter. Criteria: Invitae Variant Classification Sherloc (09022015). Collection method: clinical testing. Allele origin: germline.
Comment: This sequence change replaces glutamic acid, which is acidic and polar, with glutamine, which is neutral and polar, at codon 408 of the TINF2 protein (p.Glu408Gln). This variant is not present in population databases (gnomAD no frequency). This variant has not been reported in the literature in individuals affected with TINF2-related conditions. ClinVar contains an entry for this variant (Variation ID: 654332). An algorithm developed to predict the effect of missense changes on protein structure and function (PolyPhen-2) suggests that this variant is likely to be tolerated. In summary, the available evidence is currently insufficient to determine the role of this variant in disease. Therefore, it has been classified as a Variant of Uncertain Significance.